The following is an entry in ClinVar:

NM_007286.6(SYNPO):c.163C>T (p.Pro55Ser)

Gene: SYNPO (synaptopodin; plus strand). Cytogenetic location: 5q33.1.
Variant type: single nucleotide variant.
Coding change: c.163C>T on transcript NM_007286.6 (MANE Select); coding-DNA position 163, C replaced by T.
Protein change: p.Pro55Ser; replaces proline 55 with serine.
Molecular consequence: missense variant.
Genome position (GRCh38, 1-based): chr5:150,648,438, C>T. VCF-style: chr5-150648438-C-T. GRCh37 (hg19) VCF-style: chr5-150028000-C-T.
Other names: c.163C>T, p.Pro55Ser (NM_001109974.3); c.895C>T, p.Pro299Ser (NM_001166208.2, NM_001166209.2); short protein forms P299S, P55S.
Identifiers: ClinVar variation 2012216 (VCV002012216.4), dbSNP rs2480375137, ClinGen allele CA361778906.

ClinVar aggregate classification (germline): Uncertain significance (1 of 4 stars; one submission).

Submission:

Labcorp Genetics (formerly Invitae), Labcorp
Classification: Uncertain significance. Last evaluated: 2022-08-23. Review status: criteria provided, single submitter. Criteria: Invitae Variant Classification Sherloc (09022015). Collection method: clinical testing. Allele origin: germline.
Comment: Algorithms developed to predict the effect of missense changes on protein structure and function (SIFT, PolyPhen-2, Align-GVGD) all suggest that this variant is likely to be tolerated. In summary, the available evidence is currently insufficient to determine the role of this variant in disease. Therefore, it has been classified as a Variant of Uncertain Significance. This variant has not been reported in the literature in individuals affected with SYNPO-related conditions. This variant is not present in population databases (gnomAD no frequency). This sequence change replaces proline, which is neutral and non-polar, with serine, which is neutral and polar, at codon 55 of the SYNPO protein (p.Pro55Ser).